The following is an entry in ClinVar:

NM_006235.3(POU2AF1):c.330C>T (p.Pro110=)

Gene: POU2AF1 (POU class 2 homeobox associating factor 1; minus strand). Cytogenetic location: 11q23.1.
Variant type: single nucleotide variant.
Coding change: c.330C>T on transcript NM_006235.3 (MANE Select); coding-DNA position 330, C replaced by T.
Protein change: p.Pro110=; no amino-acid change (proline 110 retained).
Molecular consequence: synonymous variant.
Genome position (GRCh38, 1-based): chr11:111,357,571, G>A on the plus strand (C>T on the coding strand, the complement: POU2AF1 is on the minus strand). VCF-style: chr11-111357571-G-A. GRCh37 (hg19) VCF-style: chr11-111228296-G-A.
Identifiers: ClinVar variation 5039166 (VCV005039166.1).
Genomic context (GRCh38, chr11:111,357,571, plus strand): 5'-GCTGGGGCACACGGGCTGCACATACATGTCAGCTGAGTAGGGGCAGCTGACAGCTTCATG[G>A]GGCACATACTCGGTGTAAGGTGTCCATGGGGCCAGGGGCTGCAGGGTGGCCGGGGTGGGC-3'
Protein context (NP_006226.2, residues 100-120): APWTPYTEYV[Pro110=]HEAVSCPYSA

ClinVar aggregate classification (germline): Likely benign (1 of 4 stars; one submission).

gnomAD v4.1: 80 of 1,613,998 alleles (0.005%); highest among the groups gnomAD compares: Non-Finnish European, 0.0064%; no homozygotes.

Submission:

CeGaT Center for Human Genetics Tuebingen
Classification: Likely benign. Last evaluated: 2026-07-01. Review status: criteria provided, single submitter. Criteria: CeGaT Center For Human Genetics Tuebingen Variant Classification Criteria Version 2. Collection method: clinical testing. Allele origin: germline. Affected: yes. Observed: 1 variant allele.
Comment: POU2AF1: BP4, BP7